The following is an entry in ClinVar:

NM_004771.4(MMP20):c.505A>C (p.Ile169Leu)

Gene: MMP20 (matrix metallopeptidase 20; minus strand). Cytogenetic location: 11q22.2.
Variant type: single nucleotide variant.
Coding change: c.505A>C on transcript NM_004771.4 (MANE Select); coding-DNA position 505, A replaced by C.
Protein change: p.Ile169Leu; replaces isoleucine 169 with leucine.
Molecular consequence: missense variant.
Genome position (GRCh38, 1-based): chr11:102,611,773, T>G on the plus strand (A>C on the coding strand, the complement: MMP20 is on the minus strand). VCF-style: chr11-102611773-T-G. GRCh37 (hg19) VCF-style: chr11-102482504-T-G.
Other names: short protein forms I169L.
Identifiers: ClinVar variation 301949 (VCV000301949.8), dbSNP rs17099008, ClinGen allele CA6248451.
Genomic context (GRCh38, chr11:102,611,773, plus strand): 5'-CTCTCCTTTGAATTAGTAGATGGAATCCAAGTACCACAATACCTCCATTTTCAAAAGATA[T>G]CATAATATCCGCTTCTCCTGAGTTTATTCTGACAAAGCTCAGAGGGACGGCGCTACTCCA-3'
Protein context (NP_004762.2, residues 159-179): RINSGEADIM[Ile169Leu]SFENGDHGDS

ClinVar aggregate classification (germline): Benign. Review status: criteria provided, multiple submitters, no conflicts (2 of 4 stars). 3 submissions from 3 submitters: Benign (3). Last evaluated 2018-11-12.

Conditions:
Amelogenesis imperfecta hypomaturation type 2A2. Also called: Amelogenesis imperfecta, type IIA2; AMELOGENESIS IMPERFECTA, PIGMENTED HYPOMATURATION TYPE, 2; Amelogenesis imperfecta, hypomaturation type, IIA2. Identifiers: Orphanet 88661, MedGen C2675858, MONDO:0012926, OMIM 612529. Disease mechanism: loss of function.

Allele frequency attached by ClinVar (database versions not stated): 1000 Genomes Project 30x 0.02577; 1000 Genomes Project 0.02736; ESP Exome Variant Server 0.00661; gnomAD 0.00801 and 0.00932; TOPMed 0.01045; gnomAD exomes 0.01280; ExAC 0.01320.
gnomAD v4.1: 12,355 of 1,614,134 alleles (0.77%); highest among the groups gnomAD compares: East Asian, 8.3%; 262 homozygotes.

Submissions (3):

GeneDx
Classification: Benign. Last evaluated: 2018-11-12. Review status: criteria provided, single submitter. Criteria: GeneDx Variant Classification Process June 2021. Collection method: clinical testing. Allele origin: germline. Affected: yes.

Illumina Laboratory Services, Illumina
Classification: Benign for Amelogenesis imperfecta hypomaturation type 2A2. Last evaluated: 2018-01-13. Review status: criteria provided, single submitter. Criteria: ICSL Variant Classification Criteria 13 December 2019. Collection method: clinical testing. Allele origin: germline.
Comment: This variant was observed in the ICSL laboratory as part of a predisposition screen in an ostensibly healthy population. It had not been previously curated by ICSL or reported in the Human Gene Mutation Database (HGMD: prior to June 1st, 2018), and was therefore a candidate for classification through an automated scoring system. Utilizing variant allele frequency, disease prevalence and penetrance estimates, and inheritance mode, an automated score was calculated to assess if this variant is too frequent to cause the disease. Based on the score and internal cut-off values, a variant classified as benign is not then subjected to further curation. The score for this variant resulted in a classification of benign for this disease.

Breakthrough Genomics
Classification: Benign. Review status: criteria provided, single submitter. Criteria: ACMG Guidelines, 2015. Collection method: not provided. Allele origin: germline. Inheritance: Autosomal recessive inheritance. Affected: yes.